The following is an entry in ClinVar:

ClinVar aggregate classification (germline): Uncertain significance (1 of 4 stars; one submission).

Conditions:
Combined oxidative phosphorylation defect type 17. Also called: Combined oxidative phosphorylation deficiency 17. Identifiers: Orphanet 369913, MedGen C3809526, MONDO:0014190, OMIM 615440.

Submission:

Labcorp Genetics (formerly Invitae), Labcorp
Classification: Uncertain significance for Combined oxidative phosphorylation defect type 17. Last evaluated: 2021-08-30. Review status: criteria provided, single submitter. Criteria: Invitae Variant Classification Sherloc (09022015). Collection method: clinical testing. Allele origin: germline.
Comment: This sequence change replaces alanine with threonine at codon 333 of the ELAC2 protein (p.Ala333Thr). The alanine residue is weakly conserved and there is a small physicochemical difference between alanine and threonine. This variant is not present in population databases (ExAC no frequency). This variant has not been reported in the literature in individuals affected with ELAC2-related conditions. Algorithms developed to predict the effect of missense changes on protein structure and function output the following: SIFT: "Tolerated"; PolyPhen-2: "Benign"; Align-GVGD: "Class C0". The threonine amino acid residue is found in multiple mammalian species, which suggests that this missense change does not adversely affect protein function. In summary, the available evidence is currently insufficient to determine the role of this variant in disease. Therefore, it has been classified as a Variant of Uncertain Significance.

NM_018127.7(ELAC2):c.997G>A (p.Ala333Thr)

Gene: ELAC2 (elaC ribonuclease Z 2; minus strand). Cytogenetic location: 17p12.
Variant type: single nucleotide variant.
Coding change: c.997G>A on transcript NM_018127.7 (MANE Select); coding-DNA position 997, G replaced by A.
Protein change: p.Ala333Thr; replaces alanine 333 with threonine.
Molecular consequence: missense variant.
Genome position (GRCh38, 1-based): chr17:13,003,561, C>T on the plus strand (G>A on the coding strand, the complement: ELAC2 is on the minus strand). VCF-style: chr17-13003561-C-T. GRCh37 (hg19) VCF-style: chr17-12906878-C-T.
Other names: c.877G>A, p.Ala293Thr (NM_001165962.2); c.997G>A, p.Ala333Thr (NM_173717.2); short protein forms A333T, A293T.
Identifiers: ClinVar variation 1378720 (VCV001378720.6), dbSNP rs2143613231, ClinGen allele CA398225958.